The following is an entry in ClinVar:

NM_000038.6(APC):c.3201A>G (p.Gln1067=)

Gene: APC (APC regulator of Wnt signaling pathway; plus strand). Cytogenetic location: 5q22.2.
Variant type: single nucleotide variant.
Coding change: c.3201A>G on transcript NM_000038.6 (MANE Select); coding-DNA position 3201, A replaced by G.
Protein change: p.Gln1067=; no amino-acid change (glutamine 1067 retained).
Molecular consequence: synonymous variant.
Genome position (GRCh38, 1-based): chr5:112,838,795, A>G. VCF-style: chr5-112838795-A-G. GRCh37 (hg19) VCF-style: chr5-112174492-A-G.
Other names: c.3201A>G, p.Gln1067= (NM_001127510.3, NM_001354895.2); c.3147A>G, p.Gln1049= (NM_001127511.3); c.3255A>G, p.Gln1085= (NM_001354896.2); c.3231A>G, p.Gln1077= (NM_001354897.2); c.3126A>G, p.Gln1042= (NM_001354898.2); c.3117A>G, p.Gln1039= (NM_001354899.2); c.3078A>G, p.Gln1026= (NM_001354900.2); c.3024A>G, p.Gln1008= (NM_001354901.2); and 5 more.
Identifiers: ClinVar variation 795569 (VCV000795569.14), dbSNP rs1216272276, ClinGen allele CA445963228.

ClinVar aggregate classification (germline): Benign/Likely benign. Review status: criteria provided, multiple submitters, no conflicts (2 of 4 stars). 3 submissions from 3 submitters: Benign (1); Likely benign (2). Last evaluated 2024-03-18.

Conditions:
Hereditary cancer-predisposing syndrome. Also called: Neoplastic Syndromes, Hereditary; Hereditary neoplastic syndrome; Tumor predisposition; Hereditary Cancer Syndrome. Identifiers: Orphanet 140162, MedGen C0027672, MeSH D009386, MONDO:0015356.
Familial adenomatous polyposis 1 (FAP1). Also called: POLYPOSIS, ADENOMATOUS INTESTINAL; FAMILIAL ADENOMATOUS POLYPOSIS 1, ATTENUATED. Identifiers: MedGen C2713442, MONDO:0021056, OMIM 175100. Disease mechanism: loss of function.

Allele frequency attached by ClinVar (database versions not stated): TOPMed below 0.00001; gnomAD 0.00001.
gnomAD v4.1: 1 of 1,614,048 alleles (0.000062%); highest among the groups gnomAD compares: Admixed American, 0.0017%; no homozygotes.

Submissions (3):

Myriad Genetics, Inc.
Classification: Benign for Familial adenomatous polyposis 1. Last evaluated: 2024-03-18. Review status: criteria provided, single submitter. Criteria: Myriad Autosomal Dominant, Autosomal Recessive and X-Linked Classification Criteria (2023). Collection method: clinical testing. Allele origin: unknown.
Comment: This variant is considered benign. This variant is a silent/synonymous amino acid change and it is not expected to impact splicing.

Ambry Genetics
Classification: Likely benign for Hereditary cancer-predisposing syndrome. Last evaluated: 2022-09-11. Review status: criteria provided, single submitter. Criteria: Ambry Variant Classification Scheme 2023. Collection method: clinical testing. Allele origin: germline.

Labcorp Genetics (formerly Invitae), Labcorp
Classification: Likely benign for Familial adenomatous polyposis 1. Last evaluated: 2021-04-23. Review status: criteria provided, single submitter. Criteria: Invitae Variant Classification Sherloc (09022015). Collection method: clinical testing. Allele origin: germline.